The following is an entry in ClinVar:

ClinVar aggregate classification (germline): Uncertain significance. Review status: criteria provided, multiple submitters, no conflicts (2 of 4 stars). 4 submissions from 4 submitters: Uncertain significance (4). Last evaluated 2026-06-26.

Conditions:
Nephronophthisis 14 (NPHP14). Identifiers: Orphanet 2318, MedGen C3539071, MONDO:0013916, OMIM 614844.

Allele frequency attached by ClinVar (database versions not stated): TOPMed 0.00019; gnomAD 0.00022; ESP Exome Variant Server 0.00023; 1000 Genomes Project 30x 0.00047.
gnomAD v4.1: 635 of 1,606,590 alleles (0.04%); highest among the groups gnomAD compares: Non-Finnish European, 0.052%; no homozygotes.

Submissions (4):

Women's Health and Genetics/Laboratory Corporation of America, LabCorp
Classification: Uncertain significance. Last evaluated: 2026-06-26. Review status: criteria provided, single submitter. Criteria: LabCorp Variant Classification Summary - May 2015. Collection method: clinical testing. Allele origin: germline.
Comment: Variant summary: ZNF423 c.293C>G (p.Pro98Arg) results in a non-conservative amino acid change in the encoded protein sequence. Algorithms developed to predict the effect of missense changes on protein structure and function are either unavailable or do not agree on the potential impact of this missense change. The variant allele was found at a frequency of 0.00028 in 245694 control chromosomes. This frequency is not significantly higher than estimated for disease-causing variants in ZNF423, allowing no conclusion about variant significance. To our knowledge, no occurrence of c.293C>G in individuals affected with ZNF423-related conditions and no experimental evidence demonstrating its impact on protein function have been reported. ClinVar contains an entry for this variant (Variation ID: 567789). Based on the evidence outlined above, the variant was classified as uncertain significance.

Blueprint Genetics
Classification: Uncertain significance. Last evaluated: 2024-11-27. Review status: criteria provided, single submitter. Criteria: ACMG Guidelines, 2015. Collection method: clinical testing. Allele origin: germline.

Labcorp Genetics (formerly Invitae), Labcorp
Classification: Uncertain significance for Nephronophthisis 14. Last evaluated: 2024-01-18. Review status: criteria provided, single submitter. Criteria: Invitae Variant Classification Sherloc (09022015). Collection method: clinical testing. Allele origin: germline.
Comment: This sequence change replaces proline, which is neutral and non-polar, with arginine, which is basic and polar, at codon 98 of the ZNF423 protein (p.Pro98Arg). This variant is present in population databases (rs113358702, gnomAD 0.05%). This variant has not been reported in the literature in individuals affected with ZNF423-related conditions. ClinVar contains an entry for this variant (Variation ID: 567789). Advanced modeling of protein sequence and biophysical properties (such as structural, functional, and spatial information, amino acid conservation, physicochemical variation, residue mobility, and thermodynamic stability) performed at Invitae indicates that this missense variant is not expected to disrupt ZNF423 protein function with a negative predictive value of 80%. In summary, the available evidence is currently insufficient to determine the role of this variant in disease. Therefore, it has been classified as a Variant of Uncertain Significance.

Baylor Genetics
Classification: Uncertain significance for Nephronophthisis 14. Last evaluated: 2019-09-19. Review status: criteria provided, single submitter. Criteria: ACMG Guidelines, 2015. Collection method: clinical testing. Allele origin: unknown. Affected: yes.
Comment: This variant was determined to be of uncertain significance according to ACMG Guidelines, 2015 [PMID:25741868].

NM_001379286.1(ZNF423):c.317C>G (p.Pro106Arg)

Gene: ZNF423 (zinc finger protein 423; minus strand). Cytogenetic location: 16q12.1.
Variant type: single nucleotide variant.
Coding change: c.317C>G on transcript NM_001379286.1 (MANE Select); coding-DNA position 317, C replaced by G.
Protein change: p.Pro106Arg; replaces proline 106 with arginine.
Molecular consequence: missense variant. On other transcripts: 5 prime UTR variant (1).
Genome position (GRCh38, 1-based): chr16:49,638,859, G>C on the plus strand (C>G on the coding strand, the complement: ZNF423 is on the minus strand). VCF-style: chr16-49638859-G-C. GRCh37 (hg19) VCF-style: chr16-49672770-G-C.
Other names: c.113C>G, p.Pro38Arg (NM_001271620.2); c.-59C>G (NM_001330533.2); c.293C>G, p.Pro98Arg (NM_015069.5); short protein forms P38R, P98R, P106R.
Identifiers: ClinVar variation 567789 (VCV000567789.9), dbSNP rs113358702, ClinGen allele CA8046892.
Genomic context (GRCh38, chr16:49,638,859, plus strand): 5'-ATCTGCGTGGGTGACGCAACATCCTTGCTGGAGGGAGACGAGGCCACCCAGGAGAGTTGT[G>C]GGTCGTCATCACCATCTGCAAGAGAAGGCAGAGAGGATATTAGAGGCAATTCCCAGGGCT-3'
Protein context (NP_001366215.1, residues 96-116): HRCPGDGDDD[Pro106Arg]QLSWVASSPS